The following is an entry in ClinVar:

NM_000179.3(MSH6):c.2324dup (p.Gln776fs)

Gene: MSH6 (mutS homolog 6; plus strand). Cytogenetic location: 2p16.3.
Variant type: Duplication.
Coding change: c.2324dup on transcript NM_000179.3 (MANE Select); coding-DNA position 2324, one base duplicated (A; older notation c.2324dupA).
Protein change: p.Gln776fs; shifts the reading frame from glutamine 776.
Molecular consequence: frameshift variant.
Genome position (GRCh38, 1-based): chr2:47,800,307, A duplicated; the last of 3 consecutive A bases (chr2:47,800,305-47,800,307); duplicating any one gives the same sequence. VCF-style (leftmost placement, unchanged base first): chr2-47800304-T-TA. GRCh37 (hg19) VCF-style: chr2-48027443-T-TA.
Other names: c.1934dup, p.Gln646fs (NM_001281492.2); c.1418dup, p.Gln474fs (NM_001281493.2, NM_001281494.2); c.2420dup, p.Gln808Alafs (NM_001406795.1, NM_001406802.1); c.2324dup, p.Gln776Alafs (NM_001406796.1, NM_001406798.1, NM_001406800.1 and 2 more transcripts); c.2027dup, p.Gln677Alafs (NM_001406797.1, NM_001406801.1, NM_001406805.1 and 10 more transcripts); c.1799dup, p.Gln601Alafs (NM_001406799.1, NM_001406806.1, NM_001406807.1); c.2246dup, p.Gln750Alafs (NM_001406804.1); c.1418dup, p.Gln474Alafs (NM_001406811.1, NM_001406812.1, NM_001406814.1 and 4 more transcripts); and 3 more; short protein forms Q646fs, Q776fs, Q474fs.
Identifiers: ClinVar variation 1789627 (VCV001789627.2), dbSNP rs2530664875, ClinGen allele CA2580067829.

ClinVar aggregate classification (germline): Pathogenic (1 of 4 stars; one submission).

Conditions:
Hereditary cancer-predisposing syndrome. Also called: Hereditary Cancer Syndrome; Hereditary neoplastic syndrome; Tumor predisposition; Neoplastic Syndromes, Hereditary. Identifiers: Orphanet 140162, MedGen C0027672, MeSH D009386, MONDO:0015356.

Submission:

Ambry Genetics
Classification: Pathogenic for Hereditary cancer-predisposing syndrome. Last evaluated: 2018-05-24. Review status: criteria provided, single submitter. Criteria: Ambry Variant Classification Scheme 2023. Collection method: clinical testing. Allele origin: germline.
Comment: The c.2324dupA pathogenic mutation, located in coding exon 4 of the MSH6 gene, results from a duplication of A at nucleotide position 2324, causing a translational frameshift with a predicted alternate stop codon (p.Q776Afs*9). This alteration is expected to result in loss of function by premature protein truncation or nonsense-mediated mRNA decay. As such, this alteration is interpreted as a disease-causing mutation.